The following is an entry in ClinVar:

ClinVar aggregate classification (germline): Uncertain significance (1 of 4 stars; one submission).

Allele frequency attached by ClinVar (database versions not stated): gnomAD exomes below 0.00001.
gnomAD v4.1: 2 of 1,613,978 alleles (0.00012%); highest among the groups gnomAD compares: Admixed American, 0.0017%; no homozygotes.

Submission:

Labcorp Genetics (formerly Invitae), Labcorp
Classification: Uncertain significance. Last evaluated: 2022-06-25. Review status: criteria provided, single submitter. Criteria: Invitae Variant Classification Sherloc (09022015). Collection method: clinical testing. Allele origin: germline.
Comment: This variant has not been reported in the literature in individuals affected with COQ8A-related conditions. In summary, the available evidence is currently insufficient to determine the role of this variant in disease. Therefore, it has been classified as a Variant of Uncertain Significance. Advanced modeling of protein sequence and biophysical properties (such as structural, functional, and spatial information, amino acid conservation, physicochemical variation, residue mobility, and thermodynamic stability) performed at Invitae indicates that this missense variant is expected to disrupt COQ8A protein function. This variant is not present in population databases (gnomAD no frequency). This sequence change replaces aspartic acid, which is acidic and polar, with glycine, which is neutral and non-polar, at codon 488 of the COQ8A protein (p.Asp488Gly).

NM_020247.5(COQ8A):c.1463A>G (p.Asp488Gly)

Gene: COQ8A (coenzyme Q8A; plus strand). Cytogenetic location: 1q42.13.
Variant type: single nucleotide variant.
Coding change: c.1463A>G on transcript NM_020247.5 (MANE Select); coding-DNA position 1463, A replaced by G.
Protein change: p.Asp488Gly; replaces aspartic acid 488 with glycine.
Molecular consequence: missense variant.
Genome position (GRCh38, 1-based): chr1:226,984,612, A>G. VCF-style: chr1-226984612-A-G. GRCh37 (hg19) VCF-style: chr1-227172313-A-G.
Other names: short protein forms D488G.
Identifiers: ClinVar variation 1956567 (VCV001956567.5), dbSNP rs2528390729, ClinGen allele CA345055725.